The following is an entry in ClinVar:

ClinVar aggregate classification (germline): Pathogenic. Review status: criteria provided, multiple submitters, no conflicts (2 of 4 stars). 2 submissions from 2 submitters: Pathogenic (2). Last evaluated 2023-01-15.

Conditions:
Duchenne muscular dystrophy (DMD). Also called: Duchenne Muscular Dystrophy (DMD); MUSCULAR DYSTROPHY, PSEUDOHYPERTROPHIC PROGRESSIVE, DUCHENNE TYPE. Identifiers: Orphanet 98896, MedGen C0013264, MONDO:0010679, OMIM 310200.

Submissions (2):

Labcorp Genetics (formerly Invitae), Labcorp
Classification: Pathogenic for Duchenne muscular dystrophy. Last evaluated: 2023-01-15. Review status: criteria provided, single submitter. Criteria: Invitae Variant Classification Sherloc (09022015). Collection method: clinical testing. Allele origin: germline.
Comment: For these reasons, this variant has been classified as Pathogenic. ClinVar contains an entry for this variant (Variation ID: 523910). This variant has not been reported in the literature in individuals affected with DMD-related conditions. This variant is not present in population databases (gnomAD no frequency). This sequence change creates a premature translational stop signal (p.Gln2693*) in the DMD gene. It is expected to result in an absent or disrupted protein product. Loss-of-function variants in DMD are known to be pathogenic (PMID: 16770791, 25007885).

GeneDx
Classification: Pathogenic. Last evaluated: 2018-05-04. Review status: criteria provided, single submitter. Criteria: GeneDx Variant Classification (06012015). Collection method: clinical testing. Allele origin: germline. Affected: yes.
Comment: The Q2693X nonsense variant in the DMD gene is predicted to cause loss of normal protein function either through protein truncation or nonsense-mediated mRNA decay. The Q2693X variant is not observed in large population cohorts (Lek et al., 2016). Additionally, this nonsense variant may qualify for nonsense read-through therapy. Therefore, the presence of the Q2693X pathogenic variant is consistent with a diagnosis of a dystrophinopathy in this individual.

Literature cited by the submitters: PubMed 16770791 (cited by Labcorp Genetics (formerly Invitae), Labcorp); PubMed 25007885 (cited by Labcorp Genetics (formerly Invitae), Labcorp).

NM_004006.3(DMD):c.8077C>T (p.Gln2693Ter)

Gene: DMD (dystrophin; minus strand). Cytogenetic location: Xp21.1.
Variant type: single nucleotide variant.
Coding change: c.8077C>T on transcript NM_004006.3 (MANE Select); coding-DNA position 8077, C replaced by T.
Protein change: p.Gln2693Ter; replaces glutamine 2693 with a stop codon.
Molecular consequence: nonsense.
Genome position (GRCh38, 1-based): chrX:31,627,813, G>A on the plus strand (C>T on the coding strand, the complement: DMD is on the minus strand). VCF-style: chrX-31627813-G-A. GRCh37 (hg19) VCF-style: chrX-31645930-G-A.
Other names: c.8053C>T, p.Gln2685Ter (NM_000109.4); c.8065C>T, p.Gln2689Ter (NM_004009.3); c.7708C>T, p.Gln2570Ter (NM_004010.3); c.4054C>T, p.Gln1352Ter (NM_004011.4); c.4045C>T, p.Gln1349Ter (NM_004012.4); c.697C>T, p.Gln233Ter (NM_004013.3, NM_004020.4, NM_004021.3 and 2 more transcripts); short protein forms Q2693*, Q233*, Q2685*, Q2689*, Q1352*, Q2570*, Q1349*.
Identifiers: ClinVar variation 523910 (VCV000523910.5), dbSNP rs1556764922, ClinGen allele CA412657352.